The following is an entry in ClinVar:

ClinVar aggregate classification (germline): Uncertain significance. Review status: criteria provided, multiple submitters, no conflicts (2 of 4 stars). 2 submissions from 2 submitters: Uncertain significance (2). Last evaluated 2024-10-26.

gnomAD v4.1: 12 of 1,564,132 alleles (0.00077%); highest among the groups gnomAD compares: South Asian, 0.0012%; no homozygotes.

Submissions (2):

Labcorp Genetics (formerly Invitae), Labcorp
Classification: Uncertain significance. Last evaluated: 2024-10-26. Review status: criteria provided, single submitter. Criteria: Invitae Variant Classification Sherloc (09022015). Collection method: clinical testing. Allele origin: germline.
Comment: This sequence change replaces histidine, which is basic and polar, with glutamine, which is neutral and polar, at codon 2500 of the DMXL2 protein (p.His2500Gln). This variant is present in population databases (rs765432880, gnomAD 0.004%). This variant has not been reported in the literature in individuals affected with DMXL2-related conditions. ClinVar contains an entry for this variant (Variation ID: 1494936). An algorithm developed to predict the effect of missense changes on protein structure and function (PolyPhen-2) suggests that this variant is likely to be disruptive. In summary, the available evidence is currently insufficient to determine the role of this variant in disease. Therefore, it has been classified as a Variant of Uncertain Significance.

Blueprint Genetics
Classification: Uncertain significance. Last evaluated: 2022-09-29. Review status: criteria provided, single submitter. Criteria: ACMG Guidelines, 2015. Collection method: clinical testing. Allele origin: germline.

NM_001378457.1(DMXL2):c.7500C>A (p.His2500Gln)

Gene: DMXL2 (Dmx like 2; minus strand). Cytogenetic location: 15q21.2.
Variant type: single nucleotide variant.
Coding change: c.7500C>A on transcript NM_001378457.1 (MANE Select); coding-DNA position 7500, C replaced by A.
Protein change: p.His2500Gln; replaces histidine 2500 with glutamine.
Molecular consequence: missense variant. On other transcripts: non-coding transcript variant (2).
Genome position (GRCh38, 1-based): chr15:51,466,204, G>T on the plus strand (C>A on the coding strand, the complement: DMXL2 is on the minus strand). VCF-style: chr15-51466204-G-T. GRCh37 (hg19) VCF-style: chr15-51758401-G-T.
Other names: c.7500C>A, p.His2500Gln (NM_001174116.3, NM_001378459.1, NM_001378461.1 and 1 more transcripts); c.5589C>A, p.His1863Gln (NM_001174117.3); c.7497C>A, p.His2499Gln (NM_001378458.1, NM_001378462.1, NM_015263.5); c.5478C>A, p.His1826Gln (NM_001378460.1); c.7257C>A, p.His2419Gln (NM_001378464.1); short protein forms H2499Q, H1863Q, H2500Q, H1826Q, H2419Q.
Identifiers: ClinVar variation 1494936 (VCV001494936.7), dbSNP rs765432880, ClinGen allele CA7561309.